The following is an entry in ClinVar:

ClinVar aggregate classification (germline): Uncertain significance (1 of 4 stars; one submission).

gnomAD v4.1: 1 of 1,614,158 alleles (0.000062%); highest among the groups gnomAD compares: Non-Finnish European, 0.000085%; no homozygotes.

Submission:

Labcorp Genetics (formerly Invitae), Labcorp
Classification: Uncertain significance. Last evaluated: 2025-10-20. Review status: criteria provided, single submitter. Criteria: Invitae Variant Classification Sherloc (09022015). Collection method: clinical testing. Allele origin: germline.
Comment: This sequence change replaces threonine, which is neutral and polar, with alanine, which is neutral and non-polar, at codon 432 of the NR3C2 protein (p.Thr432Ala). This variant is not present in population databases (gnomAD no frequency). This variant has not been reported in the literature in individuals affected with NR3C2-related conditions. Invitae Evidence Modeling of protein sequence and biophysical properties (such as structural, functional, and spatial information, amino acid conservation, physicochemical variation, residue mobility, and thermodynamic stability) indicates that this missense variant is not expected to disrupt NR3C2 protein function with a negative predictive value of 80%. In summary, the available evidence is currently insufficient to determine the role of this variant in disease. Therefore, it has been classified as a Variant of Uncertain Significance.

NM_000901.5(NR3C2):c.1294A>G (p.Thr432Ala)

Gene: NR3C2 (nuclear receptor subfamily 3 group C member 2; minus strand). Cytogenetic location: 4q31.23.
Variant type: single nucleotide variant.
Coding change: c.1294A>G on transcript NM_000901.5 (MANE Select); coding-DNA position 1294, A replaced by G.
Protein change: p.Thr432Ala; replaces threonine 432 with alanine.
Molecular consequence: missense variant. On other transcripts: non-coding transcript variant (1).
Genome position (GRCh38, 1-based): chr4:148,435,567, T>C on the plus strand (A>G on the coding strand, the complement: NR3C2 is on the minus strand). VCF-style: chr4-148435567-T-C. GRCh37 (hg19) VCF-style: chr4-149356719-T-C.
Other names: c.1294A>G, p.Thr432Ala (NM_001166104.2, NM_001354819.1, NM_001437654.1 and 4 more transcripts); short protein forms T432A.
Identifiers: ClinVar variation 4766216 (VCV004766216.1).